The following is an entry in ClinVar:

NM_004171.4(SLC1A2):c.1519C>A (p.Gln507Lys)

Gene: SLC1A2 (solute carrier family 1 member 2; minus strand). Cytogenetic location: 11p13.
Variant type: single nucleotide variant.
Coding change: c.1519C>A on transcript NM_004171.4 (MANE Select); coding-DNA position 1519, C replaced by A.
Protein change: p.Gln507Lys; replaces glutamine 507 with lysine.
Molecular consequence: missense variant.
Genome position (GRCh38, 1-based): chr11:35,265,661, G>T on the plus strand (C>A on the coding strand, the complement: SLC1A2 is on the minus strand). VCF-style: chr11-35265661-G-T. GRCh37 (hg19) VCF-style: chr11-35287208-G-T.
Other names: c.1492C>A, p.Gln498Lys (NM_001195728.3, NM_001252652.2); short protein forms Q498K, Q507K.
Identifiers: ClinVar variation 2090426 (VCV002090426.4), dbSNP rs1196196694, ClinGen allele CA380118854.

ClinVar aggregate classification (germline): Uncertain significance (1 of 4 stars; one submission).

Submission:

Labcorp Genetics (formerly Invitae), Labcorp
Classification: Uncertain significance. Last evaluated: 2022-08-19. Review status: criteria provided, single submitter. Criteria: Invitae Variant Classification Sherloc (09022015). Collection method: clinical testing. Allele origin: germline.
Comment: In summary, the available evidence is currently insufficient to determine the role of this variant in disease. Therefore, it has been classified as a Variant of Uncertain Significance. Algorithms developed to predict the effect of missense changes on protein structure and function (SIFT, PolyPhen-2, Align-GVGD) all suggest that this variant is likely to be tolerated. This variant has not been reported in the literature in individuals affected with SLC1A2-related conditions. This variant is not present in population databases (gnomAD no frequency). This sequence change replaces glutamine, which is neutral and polar, with lysine, which is basic and polar, at codon 507 of the SLC1A2 protein (p.Gln507Lys).